The following is an entry in ClinVar:

NM_019594.4(LRRC8A):c.1576A>T (p.Asn526Tyr)

Gene: LRRC8A (leucine rich repeat containing 8 VRAC subunit A; plus strand). Cytogenetic location: 9q34.11.
Variant type: single nucleotide variant.
Coding change: c.1576A>T on transcript NM_019594.4 (MANE Select); coding-DNA position 1576, A replaced by T.
Protein change: p.Asn526Tyr; replaces asparagine 526 with tyrosine.
Molecular consequence: missense variant.
Genome position (GRCh38, 1-based): chr9:128,908,740, A>T. VCF-style: chr9-128908740-A-T. GRCh37 (hg19) VCF-style: chr9-131671019-A-T.
Other names: c.1576A>T, p.Asn526Tyr (NM_001127244.2, NM_001127245.2); short protein forms N526Y.
Identifiers: ClinVar variation 4712176 (VCV004712176.1).
Genomic context (GRCh38, chr9:128,908,740, plus strand): 5'-AAGGAGATCCCGCTGTGGATCTATAGCCTGAAGACACTGGAGGAGCTGCACCTGACGGGC[A>T]ACCTGAGCGCGGAGAACAACCGCTACATCGTCATCGACGGGCTGCGGGAGCTCAAACGCC-3'
Protein context (NP_062540.2, residues 516-536): KTLEELHLTG[Asn526Tyr]LSAENNRYIV

ClinVar aggregate classification (germline): Uncertain significance (1 of 4 stars; one submission).

Submission:

Labcorp Genetics (formerly Invitae), Labcorp
Classification: Uncertain significance. Last evaluated: 2025-02-02. Review status: criteria provided, single submitter. Criteria: Invitae Variant Classification Sherloc (09022015). Collection method: clinical testing. Allele origin: germline.
Comment: This sequence change replaces asparagine, which is neutral and polar, with tyrosine, which is neutral and polar, at codon 526 of the LRRC8A protein (p.Asn526Tyr). This variant is not present in population databases (gnomAD no frequency). This variant has not been reported in the literature in individuals affected with LRRC8A-related conditions. An algorithm developed to predict the effect of missense changes on protein structure and function (PolyPhen-2) suggests that this variant is likely to be disruptive. In summary, the available evidence is currently insufficient to determine the role of this variant in disease. Therefore, it has been classified as a Variant of Uncertain Significance.